The following is an entry in ClinVar:

NM_005051.3(QARS1):c.1758+4G>A

Gene: QARS1 (glutaminyl-tRNA synthetase 1; minus strand). Cytogenetic location: 3p21.31.
Variant type: single nucleotide variant.
Coding change: c.1758+4G>A on transcript NM_005051.3 (MANE Select); 4 bases into the intron after coding-DNA position 1758, G replaced by A.
Molecular consequence: intron variant.
Genome position (GRCh38, 1-based): chr3:49,099,106, C>T on the plus strand (G>A on the coding strand, the complement: QARS1 is on the minus strand). VCF-style: chr3-49099106-C-T. GRCh37 (hg19) VCF-style: chr3-49136539-C-T.
Other names: c.1725+4G>A (NM_001272073.2).
Identifiers: ClinVar variation 1953637 (VCV001953637.2), dbSNP rs773812510, ClinGen allele CA2391660.
Genomic context (GRCh38, chr3:49,099,106, plus strand): 5'-CCCAGAGCCAAGTGTACCCCCAGCTACACACACACATGTGACACACATGTTGAGGCAGGC[C>T]CACCTTGGCAGCAGGAAAGTTGGTGATGATGACCCGTAGTGACTCCAGCACAGCCATGGC-3'

ClinVar aggregate classification (germline): Uncertain significance (1 of 4 stars; one submission).

Conditions:
Diffuse cerebral and cerebellar atrophy - intractable seizures - progressive microcephaly syndrome. Also called: Microcephaly, progressive, with seizures and cerebral and cerebellar atrophy. Identifiers: Orphanet 404437, MedGen C4014239, MONDO:0014335, OMIM 615760.

Allele frequency attached by ClinVar (database versions not stated): gnomAD exomes below 0.00001; ExAC 0.00001.
gnomAD v4.1: 1 of 1,614,134 alleles (0.000062%); highest among the groups gnomAD compares: African/African-American, 0.0013%; no homozygotes.

Submission:

Labcorp Genetics (formerly Invitae), Labcorp
Classification: Uncertain significance for Diffuse cerebral and cerebellar atrophy - intractable seizures - progressive microcephaly syndrome. Last evaluated: 2022-08-31. Review status: criteria provided, single submitter. Criteria: Invitae Variant Classification Sherloc (09022015). Collection method: clinical testing. Allele origin: germline.
Comment: This sequence change falls in intron 18 of the QARS gene. It does not directly change the encoded amino acid sequence of the QARS protein. It affects a nucleotide within the consensus splice site. This variant is present in population databases (rs773812510, gnomAD 0.007%). This variant has not been reported in the literature in individuals affected with QARS-related conditions. Variants that disrupt the consensus splice site are a relatively common cause of aberrant splicing (PMID: 17576681, 9536098). Algorithms developed to predict the effect of sequence changes on RNA splicing suggest that this variant is not likely to affect RNA splicing. In summary, the available evidence is currently insufficient to determine the role of this variant in disease. Therefore, it has been classified as a Variant of Uncertain Significance.

Literature cited by the submitters: PubMed 17576681; PubMed 9536098.